The following is an entry in ClinVar:

ClinVar aggregate classification (germline): Pathogenic/Likely pathogenic. Review status: criteria provided, multiple submitters, no conflicts (2 of 4 stars). 3 submissions from 3 submitters: Pathogenic (1); Likely pathogenic (2). Last evaluated 2024-02-23.

Conditions:
Fanconi anemia complementation group D2. Also called: FANCONI PANCYTOPENIA, TYPE 4; FANCONI ANEMIA, COMPLEMENTATION GROUP D; FANCD2-Related Fanconi Anemia. Identifiers: Orphanet 84, MedGen C3160738, MONDO:0009214, OMIM 227646.
Fanconi anemia (FA). Also called: Fanconi's anemia. Identifiers: Orphanet 84, MedGen C0015625, MeSH D005199, MONDO:0019391.

Allele frequency attached by ClinVar (database versions not stated): gnomAD exomes below 0.00001.

Submissions (3):

Labcorp Genetics (formerly Invitae), Labcorp
Classification: Pathogenic for Fanconi anemia. Last evaluated: 2024-02-23. Review status: criteria provided, single submitter. Criteria: Invitae Variant Classification Sherloc (09022015). Collection method: clinical testing. Allele origin: germline.
Comment: This sequence change creates a premature translational stop signal (p.Glu169*) in the FANCD2 gene. It is expected to result in an absent or disrupted protein product. Loss-of-function variants in FANCD2 are known to be pathogenic (PMID: 17436244). This variant is not present in population databases (gnomAD no frequency). This variant has not been reported in the literature in individuals affected with FANCD2-related conditions. ClinVar contains an entry for this variant (Variation ID: 1324377). Algorithms developed to predict the effect of sequence changes on RNA splicing suggest that this variant may disrupt the consensus splice site. For these reasons, this variant has been classified as Pathogenic.

Baylor Genetics
Classification: Likely pathogenic for Fanconi anemia complementation group D2. Last evaluated: 2023-02-02. Review status: criteria provided, single submitter. Criteria: ACMG Guidelines, 2015. Collection method: clinical testing. Allele origin: unknown.

Revvity Omics, Revvity
Classification: Likely pathogenic for Fanconi anemia complementation group D2. Last evaluated: 2021-02-02. Review status: criteria provided, single submitter. Criteria: ACMG Guidelines, 2015. Collection method: clinical testing. Allele origin: germline.

Literature cited by the submitters: PubMed 17436244 (cited by Labcorp Genetics (formerly Invitae), Labcorp).

NM_001018115.3(FANCD2):c.505G>T (p.Glu169Ter)

Genes: FANCD2 (FA complementation group D2; plus strand), LOC107303338 (3p25 FANCD2 Alu-mediated recombination region; plus strand). Cytogenetic location: 3p25.3.
Variant type: single nucleotide variant.
Coding change: c.505G>T on transcript NM_001018115.3 (MANE Select); coding-DNA position 505, G replaced by T.
Protein change: p.Glu169Ter; replaces glutamic acid 169 with a stop codon.
Molecular consequence: nonsense.
Genome position (GRCh38, 1-based): chr3:10,039,292, G>T. VCF-style: chr3-10039292-G-T. GRCh37 (hg19) VCF-style: chr3-10080976-G-T.
Other names: c.505G>T, p.Glu169Ter (NM_001319984.2, NM_001374253.1, NM_001374254.1 and 2 more transcripts); c.505G>T (NM_033084.5); short protein forms E169*.
Identifiers: ClinVar variation 1324377 (VCV001324377.7), dbSNP rs2086805219, ClinGen allele CA351723604.
Genomic context (GRCh38, chr3:10,039,292, plus strand): 5'-TTGACCAGAAAGGCTCAGTTCCCTGTTTTCTCTTCCTAACATTTTAGCAAGAACAGTGAT[G>T]AAATCAACATACCTCGACTCATTGTCAGTCAACTAAAATGGCTTGACAGAGTTGTGGATG-3'